The following is an entry in ClinVar:

NM_000718.4(CACNA1B):c.6449C>T (p.Thr2150Met)

Gene: CACNA1B (calcium voltage-gated channel subunit alpha1 B; plus strand). Cytogenetic location: 9q34.3.
Variant type: single nucleotide variant.
Coding change: c.6449C>T on transcript NM_000718.4 (MANE Select); coding-DNA position 6449, C replaced by T.
Protein change: p.Thr2150Met; replaces threonine 2150 with methionine.
Molecular consequence: missense variant.
Genome position (GRCh38, 1-based): chr9:138,120,841, C>T. VCF-style: chr9-138120841-C-T. GRCh37 (hg19) VCF-style: chr9-141015293-C-T.
Other names: c.6449C>T, p.Thr2150Met (NM_001243812.2); short protein forms T2150M.
Identifiers: ClinVar variation 717081 (VCV000717081.9), dbSNP rs200951619, ClinGen allele CA5377713.

ClinVar aggregate classification (germline): Likely benign. Review status: criteria provided, multiple submitters, no conflicts (2 of 4 stars). 2 submissions from 2 submitters: Likely benign (2). Last evaluated 2026-01-20.

Conditions:
CACNA1B-related disorder. Also called: CACNA1B-related condition.

Allele frequency attached by ClinVar (database versions not stated): gnomAD 0.00015 and 0.00016; gnomAD exomes 0.00025 and 0.00049; TOPMed 0.00027; ExAC 0.00091.
gnomAD v4.1: 397 of 1,572,734 alleles (0.025%); highest among the groups gnomAD compares: Admixed American, 0.076%; 1 homozygote.

Submissions (2):

Labcorp Genetics (formerly Invitae), Labcorp
Classification: Likely benign. Last evaluated: 2026-01-20. Review status: criteria provided, single submitter. Criteria: Invitae Variant Classification Sherloc (09022015). Collection method: clinical testing. Allele origin: germline.

PreventionGenetics, part of Exact Sciences
Classification: Likely benign for CACNA1B-related condition. Last evaluated: 2025-04-02. Review status: criteria provided, single submitter. Criteria: ACMG Guidelines, 2015. Collection method: clinical testing. Allele origin: germline.
Comment: This variant is classified as likely benign based on ACMG/AMP sequence variant interpretation guidelines (Richards et al. 2015 PMID: 25741868, with internal and published modifications).